The following is an entry in ClinVar:

NM_022841.7(RFX7):c.457A>C (p.Ile153Leu)

Gene: RFX7 (regulatory factor X7; minus strand). Cytogenetic location: 15q21.3.
Variant type: single nucleotide variant.
Coding change: c.457A>C on transcript NM_022841.7 (MANE Select); coding-DNA position 457, A replaced by C.
Protein change: p.Ile153Leu; replaces isoleucine 153 with leucine.
Molecular consequence: missense variant.
Genome position (GRCh38, 1-based): chr15:56,103,615, T>G on the plus strand (A>C on the coding strand, the complement: RFX7 is on the minus strand). VCF-style: chr15-56103615-T-G. GRCh37 (hg19) VCF-style: chr15-56395813-T-G.
Other names: c.166A>C, p.Ile56Leu (NM_001368073.2, NM_001368074.1, NM_001370554.1); c.457A>C, p.Ile153Leu (NM_001370561.1); short protein forms I153L, I56L.
Identifiers: ClinVar variation 4540101 (VCV004540101.1).

ClinVar aggregate classification (germline): Uncertain significance (1 of 4 stars; one submission).

Submission:

GeneDx
Classification: Uncertain significance. Last evaluated: 2025-06-24. Review status: criteria provided, single submitter. Criteria: GeneDx Variant Classification Process June 2021. Collection method: clinical testing. Allele origin: germline. Affected: yes.
Comment: Not observed at significant frequency in large population cohorts (gnomAD); In silico analysis suggests that this missense variant does not alter protein structure/function; Has not been previously published as pathogenic or benign to our knowledge